The following is an entry in ClinVar:

ClinVar aggregate classification (germline): not provided (0 of 4 stars; one submission).

Conditions:
Developmental and epileptic encephalopathy, 7 (DEE7). Also called: KCNQ2-Related Neonatal Epileptic Encephalopathy; Early infantile epileptic encephalopathy 7; KCNQ2-Related Neonatal-Onset Developmental and Epileptic Encephalopathy (NEO-DEE). Identifiers: Orphanet 439218, MedGen C3150986, MONDO:0013387, OMIM 613720.

Submission:

GeneReviews
No classification provided. Condition: Developmental and epileptic encephalopathy, 7. Review status: no classification provided. Collection method: literature only. Allele origin: germline. Affected: yes.
Comment: EE (epileptic encephalopathy)

Literature cited by the submitters: PubMed 24371303; NCBI Bookshelf NBK32534.

NM_172107.4(KCNQ2):c.973A>C (p.Arg325=)

Gene: KCNQ2 (potassium voltage-gated channel subfamily Q member 2; minus strand). Cytogenetic location: 20q13.33.
Variant type: single nucleotide variant.
Coding change: c.973A>C on transcript NM_172107.4 (MANE Select); coding-DNA position 973, A replaced by C.
Protein change: p.Arg325=; no amino-acid change (arginine 325 retained).
Molecular consequence: synonymous variant.
Genome position (GRCh38, 1-based): chr20:63,438,675, T>G on the plus strand (A>C on the coding strand, the complement: KCNQ2 is on the minus strand). VCF-style: chr20-63438675-T-G. GRCh37 (hg19) VCF-style: chr20-62070028-T-G.
Other names: c.973A>C, p.Arg325= (NM_004518.6, NM_172106.3, NM_172108.5 and 1 more transcripts).
Identifiers: ClinVar variation 369774 (VCV000369774.2), dbSNP rs1057516103, ClinGen allele CA10654805.
Genomic context (GRCh38, chr20:63,438,675, plus strand): 5'-CTGGACTCACCTGGATCAGGCCTGCTGCCGGGTTCCGCCTCTTCTCAAAGTGCTTCTGCC[T>G]GTGCTGCTCCTGAACCTTCAGGGCAAACCCAGACCCCAAGATGCCCTGCAATTCATCAGG-3'
Protein context (NP_742105.1, residues 315-335): GFALKVQEQH[Arg325=]QKHFEKRRNP